The following is an entry in ClinVar:

NM_004369.4(COL6A3):c.839G>T (p.Arg280Leu)

Gene: COL6A3 (collagen type VI alpha 3 chain; minus strand). Cytogenetic location: 2q37.3.
Variant type: single nucleotide variant.
Coding change: c.839G>T on transcript NM_004369.4 (MANE Select); coding-DNA position 839, G replaced by T.
Protein change: p.Arg280Leu; replaces arginine 280 with leucine.
Molecular consequence: missense variant. On other transcripts: intron variant (2).
Genome position (GRCh38, 1-based): chr2:237,388,055, C>A on the plus strand (G>T on the coding strand, the complement: COL6A3 is on the minus strand). VCF-style: chr2-237388055-C-A. GRCh37 (hg19) VCF-style: chr2-238296698-C-A.
Other names: c.221G>T, p.Arg74Leu (NM_057165.5, NM_057167.4); c.92-6556G>T (NM_057166.5, NM_057164.5); short protein forms R280L, R74L.
Identifiers: ClinVar variation 501799 (VCV000501799.15), dbSNP rs370246962, ClinGen allele CA2189766.

ClinVar aggregate classification (germline): Conflicting classifications of pathogenicity. Review status: criteria provided, conflicting classifications (1 of 4 stars). 5 submissions from 5 submitters: Uncertain significance (3); Benign (2). Last evaluated 2025-02-09.

Conditions:
Bethlem myopathy 1A. Also called: MYOPATHY, BENIGN CONGENITAL, WITH CONTRACTURES; Bethlem myopathy 1; Bethlem Muscular Dystrophy. Identifiers: Orphanet 610, MedGen CN029274, MONDO:0024530, OMIM 158810.
Collagen 6-related myopathy. Identifiers: MedGen CN117976, MONDO:0100225.

Allele frequency attached by ClinVar (database versions not stated): 1000 Genomes Project 30x 0.00016; 1000 Genomes Project 0.00020; TOPMed 0.00010; gnomAD 0.00013; ESP Exome Variant Server 0.00015.
gnomAD v4.1: 28 of 1,614,186 alleles (0.0017%); highest among the groups gnomAD compares: African/African-American, 0.035%; no homozygotes.

Submissions (5):

Labcorp Genetics (formerly Invitae), Labcorp
Classification: Benign for Bethlem myopathy 1A. Last evaluated: 2025-02-09. Review status: criteria provided, single submitter. Criteria: Invitae Variant Classification Sherloc (09022015). Collection method: clinical testing. Allele origin: germline.

GeneDx
Classification: Uncertain significance. Last evaluated: 2022-01-25. Review status: criteria provided, single submitter. Criteria: GeneDx Variant Classification Process June 2021. Collection method: clinical testing. Allele origin: germline. Affected: yes.
Comment: In silico analysis supports that this missense variant has a deleterious effect on protein structure/function; Has not been previously published as pathogenic or benign to our knowledge

Revvity Omics, Revvity
Classification: Uncertain significance. Last evaluated: 2021-03-22. Review status: criteria provided, single submitter. Criteria: ACMG Guidelines, 2015. Collection method: clinical testing. Allele origin: germline.

Illumina Laboratory Services, Illumina
Classification: Benign for Collagen VI-related myopathy. Last evaluated: 2018-01-12. Review status: criteria provided, single submitter. Criteria: ICSL Variant Classification Criteria 13 December 2019. Collection method: clinical testing. Allele origin: germline.
Comment: This variant was observed in the ICSL laboratory as part of a predisposition screen in an ostensibly healthy population. It had not been previously curated by ICSL or reported in the Human Gene Mutation Database (HGMD: prior to June 1st, 2018), and was therefore a candidate for classification through an automated scoring system. Utilizing variant allele frequency, disease prevalence and penetrance estimates, and inheritance mode, an automated score was calculated to assess if this variant is too frequent to cause the disease. Based on the score and internal cut-off values, a variant classified as benign is not then subjected to further curation. The score for this variant resulted in a classification of benign for this disease.

Eurofins Ntd Llc (ga)
Classification: Uncertain significance. Last evaluated: 2017-05-02. Review status: criteria provided, single submitter. Criteria: EGL Classification Definitions 2015. Collection method: clinical testing. Allele origin: germline. Observed: 1 variant allele, 1 heterozygote.